The following is an entry in ClinVar:

NM_000289.6(PFKM):c.41T>C (p.Ile14Thr)

Gene: PFKM (phosphofructokinase, muscle; plus strand). Cytogenetic location: 12q13.11.
Variant type: single nucleotide variant.
Coding change: c.41T>C on transcript NM_000289.6 (MANE Select); coding-DNA position 41, T replaced by C.
Protein change: p.Ile14Thr; replaces isoleucine 14 with threonine.
Molecular consequence: missense variant. On other transcripts: 5 prime UTR variant (3), non-coding transcript variant (6).
Genome position (GRCh38, 1-based): chr12:48,122,815, T>C. VCF-style: chr12-48122815-T-C. GRCh37 (hg19) VCF-style: chr12-48516598-T-C.
Other names: p.Ile14Thr; c.254T>C, p.Ile85Thr (NM_001166686.2, NM_001354737.1, NM_001354738.1 and 1 more transcripts); c.41T>C, p.Ile14Thr (NM_001166687.2, NM_001166688.2, NM_001354742.2 and 4 more transcripts); c.350T>C, p.Ile117Thr (NM_001354735.1, NM_001354736.1); c.185T>C, p.Ile62Thr (NM_001354740.1); c.65T>C, p.Ile22Thr (NM_001354741.2); c.-285T>C (NM_001354745.2); c.-36T>C (NM_001354747.2, NM_001354748.2); short protein forms I62T, I117T, I14T, I22T, I85T.
Identifiers: ClinVar variation 707828 (VCV000707828.19), dbSNP rs140473672, ClinGen allele CA6536834.

ClinVar aggregate classification (germline): Conflicting classifications of pathogenicity. Review status: criteria provided, conflicting classifications (1 of 4 stars). 6 submissions from 6 submitters: Uncertain significance (3); Likely benign (1). 2 of the submissions do not count toward it. Last evaluated 2026-02-02.

Conditions:
PFKM-related disorder. Also called: PFKM-related condition.
Glycogen storage disease, type VII (GSD7). Also called: GSD VII; MUSCLE PHOSPHOFRUCTOKINASE DEFICIENCY; PFKM DEFICIENCY; TARUI DISEASE. Identifiers: Orphanet 371, MedGen C0017926, MONDO:0009295, OMIM 232800.

Allele frequency attached by ClinVar (database versions not stated): gnomAD exomes 0.00018 and 0.00006; ExAC 0.00025; 1000 Genomes Project 0.00120; gnomAD 0.00073 and 0.00078; 1000 Genomes Project 30x 0.00109; ESP Exome Variant Server 0.00092; TOPMed 0.00074.
gnomAD v4.1: 210 of 1,614,116 alleles (0.013%); highest among the groups gnomAD compares: African/African-American, 0.24%; no homozygotes.

Submissions (6):

Labcorp Genetics (formerly Invitae), Labcorp
Classification: Likely benign for Glycogen storage disease, type VII. Last evaluated: 2026-02-02. Review status: criteria provided, single submitter. Criteria: Invitae Variant Classification Sherloc (09022015). Collection method: clinical testing. Allele origin: germline.

GeneDx
Classification: Uncertain significance. Last evaluated: 2026-01-26. Review status: criteria provided, single submitter. Criteria: GeneDx Variant Classification Process June 2021. Collection method: clinical testing. Allele origin: germline.
Comment: In silico analysis supports that this missense variant has a deleterious effect on protein structure/function; Has not been previously published as pathogenic or benign to our knowledge

Mayo Clinic Laboratories, Mayo Clinic
Classification: Uncertain significance. Last evaluated: 2025-04-14. Review status: criteria provided, single submitter. Criteria: ACMG Guidelines, 2015. Collection method: clinical testing. Allele origin: germline. Observed: 2 variant alleles.
Comment: BP4_moderate

Revvity Omics, Revvity
Classification: Uncertain significance for Glycogen storage disease, type VII. Last evaluated: 2024-07-12. Review status: criteria provided, single submitter. Criteria: ACMG Guidelines, 2015. Collection method: clinical testing. Allele origin: germline.

PreventionGenetics, part of Exact Sciences
Classification: Likely benign for PFKM-related condition. Last evaluated: 2023-06-16. Review status: no assertion criteria provided. Collection method: clinical testing. Allele origin: germline. Not counted in ClinVar's aggregate classification.
Comment: This variant is classified as likely benign based on ACMG/AMP sequence variant interpretation guidelines (Richards et al. 2015 PMID: 25741868, with internal and published modifications).

Natera, Inc.
Classification: Uncertain significance for Glycogen storage disease type VII. Last evaluated: 2020-01-24. Review status: no assertion criteria provided. Collection method: clinical testing. Allele origin: germline. Not counted in ClinVar's aggregate classification.